The following is an entry in ClinVar:

NM_022841.7(RFX7):c.4229G>C (p.Arg1410Pro)

Gene: RFX7 (regulatory factor X7; minus strand). Cytogenetic location: 15q21.3.
Variant type: single nucleotide variant.
Coding change: c.4229G>C on transcript NM_022841.7 (MANE Select); coding-DNA position 4229, G replaced by C.
Protein change: p.Arg1410Pro; replaces arginine 1410 with proline.
Molecular consequence: missense variant. On other transcripts: intron variant (1).
Genome position (GRCh38, 1-based): chr15:56,093,499, C>G on the plus strand (G>C on the coding strand, the complement: RFX7 is on the minus strand). VCF-style: chr15-56093499-C-G. GRCh37 (hg19) VCF-style: chr15-56385697-C-G.
Other names: c.3938G>C, p.Arg1313Pro (NM_001368073.2, NM_001368074.1); c.4229G>C, p.Arg1410Pro (NM_001370561.1); c.3804+134G>C (NM_001370554.1); short protein forms R1410P, R1313P.
Identifiers: ClinVar variation 3781251 (VCV003781251.1).

ClinVar aggregate classification (germline): Uncertain significance (1 of 4 stars; one submission).

gnomAD v4.1: 2 of 1,613,884 alleles (0.00012%); highest among the groups gnomAD compares: African/African-American, 0.0013%; no homozygotes.

Submission:

GeneDx
Classification: Uncertain significance. Last evaluated: 2024-10-16. Review status: criteria provided, single submitter. Criteria: GeneDx Variant Classification Process June 2021. Collection method: clinical testing. Allele origin: germline. Affected: yes.
Comment: Not observed at significant frequency in large population cohorts (gnomAD); In silico analysis indicates that this missense variant does not alter protein structure/function; Has not been previously published as pathogenic or benign to our knowledge